The following is an entry in ClinVar:

NM_005732.4(RAD50):c.114T>A (p.Asn38Lys)

Gene: RAD50 (RAD50 double strand break repair protein; plus strand). Cytogenetic location: 5q31.1.
Variant type: single nucleotide variant.
Coding change: c.114T>A on transcript NM_005732.4 (MANE Select); coding-DNA position 114, T replaced by A.
Protein change: p.Asn38Lys; replaces asparagine 38 with lysine.
Molecular consequence: missense variant.
Genome position (GRCh38, 1-based): chr5:132,557,438, T>A. VCF-style: chr5-132557438-T-A. GRCh37 (hg19) VCF-style: chr5-131893130-T-A.
Other names: short protein forms N38K.
Identifiers: ClinVar variation 240208 (VCV000240208.10), dbSNP rs878854784, ClinGen allele CA10582368.

ClinVar aggregate classification (germline): Uncertain significance. Review status: criteria provided, multiple submitters, no conflicts (2 of 4 stars). 2 submissions from 2 submitters: Uncertain significance (2). Last evaluated 2024-06-10.

Conditions:
Hereditary cancer-predisposing syndrome. Also called: Neoplastic Syndromes, Hereditary; Hereditary neoplastic syndrome; Tumor predisposition; Hereditary Cancer Syndrome. Identifiers: Orphanet 140162, MedGen C0027672, MeSH D009386, MONDO:0015356.

Submissions (2):

Ambry Genetics
Classification: Uncertain significance for Hereditary cancer-predisposing syndrome. Last evaluated: 2024-06-10. Review status: criteria provided, single submitter. Criteria: Ambry Variant Classification Scheme 2023. Collection method: clinical testing. Allele origin: germline.
Comment: The p.N38K variant (also known as c.114T>A), located in coding exon 1 of the RAD50 gene, results from a T to A substitution at nucleotide position 114. The asparagine at codon 38 is replaced by lysine, an amino acid with similar properties. This amino acid position is conserved. In addition, this alteration is predicted to be tolerated by in silico analysis. Based on the available evidence, the clinical significance of this variant remains unclear.

Labcorp Genetics (formerly Invitae), Labcorp
Classification: Uncertain significance for Hereditary cancer-predisposing syndrome. Last evaluated: 2018-05-22. Review status: criteria provided, single submitter. Criteria: Invitae Variant Classification Sherloc (09022015). Collection method: clinical testing. Allele origin: germline.
Comment: This sequence change replaces asparagine with lysine at codon 38 of the RAD50 protein (p.Asn38Lys). The asparagine residue is highly conserved and there is a moderate physicochemical difference between asparagine and lysine. This variant is not present in population databases (ExAC no frequency). This variant has not been reported in the literature in individuals with RAD50-related disease. ClinVar contains an entry for this variant (Variation ID: 240208). Algorithms developed to predict the effect of missense changes on protein structure and function are either unavailable or do not agree on the potential impact of this missense change (SIFT: "Deleterious"; PolyPhen-2: "Probably Damaging"; Align-GVGD: "Class C0"). In summary, the available evidence is currently insufficient to determine the role of this variant in disease. Therefore, it has been classified as a Variant of Uncertain Significance.